The following is an entry in ClinVar:

ClinVar aggregate classification (germline): Likely benign (1 of 4 stars; one submission).

Conditions:
Factor 5 and Factor VIII, combined deficiency of, 2. Identifiers: Orphanet 35909, MedGen C3150889, MONDO:0013331, OMIM 613625.

Allele frequency attached by ClinVar (database versions not stated): TOPMed 0.00101; gnomAD exomes 0.00075; gnomAD 0.00078 and 0.00088; 1000 Genomes Project 0.00260.
gnomAD v4.1: 165 of 191,524 alleles (0.086%); highest among the groups gnomAD compares: East Asian, 1.5%; 5 homozygotes.

Submission:

Illumina Laboratory Services, Illumina
Classification: Likely benign for Factor 5 and Factor VIII, combined deficiency of, 2. Last evaluated: 2018-01-13. Review status: criteria provided, single submitter. Criteria: ICSL Variant Classification Criteria 13 December 2019. Collection method: clinical testing. Allele origin: germline.
Comment: This variant was observed in the ICSL laboratory as part of a predisposition screen in an ostensibly healthy population. It had not been previously curated by ICSL or reported in the Human Gene Mutation Database (HGMD: prior to June 1st, 2018), and was therefore a candidate for classification through an automated scoring system. Utilizing variant allele frequency, disease prevalence and penetrance estimates, and inheritance mode, an automated score was calculated to assess if this variant is too frequent to cause the disease. Based on the score and internal cut-off values, a variant classified as likely benign is not then subjected to further curation. The score for this variant resulted in a classification of likely benign for this disease.

NM_139279.6(MCFD2):c.*557G>A

Genes: MCFD2 (multiple coagulation factor deficiency 2, ER cargo receptor complex subunit; minus strand), MCFD2-AS1 (MCFD2 antisense RNA 1; plus strand). Cytogenetic location: 2p21.
Variant type: single nucleotide variant.
Coding change: c.*557G>A on transcript NM_139279.6 (MANE Select); 557 bases downstream of the stop codon, G replaced by A.
Molecular consequence: 3 prime UTR variant.
Genome position (GRCh38, 1-based): chr2:46,904,906, C>T on the plus strand (G>A on the coding strand, the complement: MCFD2 is on the minus strand). VCF-style: chr2-46904906-C-T. GRCh37 (hg19) VCF-style: chr2-47132045-C-T.
Other names: c.*557G>A (NM_001171506.2, NM_001171507.2, NM_001171508.2 and 3 more transcripts).
Identifiers: ClinVar variation 336370 (VCV000336370.5), dbSNP rs185756640, ClinGen allele CA10615394.